The following is an entry in ClinVar:

NM_000535.7(PMS2):c.2387T>C (p.Val796Ala)

Gene: PMS2 (PMS1 homolog 2, mismatch repair system component; minus strand). Cytogenetic location: 7p22.1.
Variant type: single nucleotide variant.
Coding change: c.2387T>C on transcript NM_000535.7 (MANE Select); coding-DNA position 2387, T replaced by C.
Protein change: p.Val796Ala; replaces valine 796 with alanine.
Molecular consequence: missense variant. On other transcripts: non-coding transcript variant (1).
Genome position (GRCh38, 1-based): chr7:5,977,646, A>G on the plus strand (T>C on the coding strand, the complement: PMS2 is on the minus strand). VCF-style: chr7-5977646-A-G. GRCh37 (hg19) VCF-style: chr7-6017277-A-G.
Other names: c.1982T>C, p.Val661Ala (NM_001018040.1, NM_001322003.2, NM_001322004.2 and 12 more transcripts); c.2231T>C, p.Val744Ala (NM_001322006.2); c.2069T>C, p.Val690Ala (NM_001322007.2, NM_001322008.2, NM_001406883.1); c.2015T>C, p.Val672Ala (NM_001322009.2, NM_001406887.1, NM_001406888.1); c.1826T>C, p.Val609Ala (NM_001322010.2, NM_001406906.1, NM_001406907.1); c.1454T>C, p.Val485Ala (NM_001322011.2, NM_001322012.2); c.1814T>C, p.Val605Ala (NM_001322013.2, NM_001406908.1, NM_001406909.1); c.2420T>C, p.Val807Ala (NM_001322014.2); and 20 more; short protein forms V634A, V641A, V688A, V693A, V701A, V704A, V740A, V858A.
Identifiers: ClinVar variation 1790510 (VCV001790510.2), dbSNP rs1562600932, ClinGen allele CA366735733.

ClinVar aggregate classification (germline): Uncertain significance (1 of 4 stars; one submission).

Conditions:
Hereditary cancer-predisposing syndrome. Also called: Hereditary Cancer Syndrome; Hereditary neoplastic syndrome; Tumor predisposition; Neoplastic Syndromes, Hereditary. Identifiers: Orphanet 140162, MedGen C0027672, MeSH D009386, MONDO:0015356.

Submission:

Ambry Genetics
Classification: Uncertain significance for Hereditary cancer-predisposing syndrome. Last evaluated: 2019-03-28. Review status: criteria provided, single submitter. Criteria: Ambry Variant Classification Scheme 2023. Collection method: clinical testing. Allele origin: germline.
Comment: The p.V796A variant (also known as c.2387T>C), located in coding exon 14 of the PMS2 gene, results from a T to C substitution at nucleotide position 2387. The valine at codon 796 is replaced by alanine, an amino acid with similar properties. This amino acid position is well conserved in available vertebrate species. In addition, the in silico prediction for this alteration is inconclusive. Since supporting evidence is limited at this time, the clinical significance of this alteration remains unclear.